The following is an entry in ClinVar:

ClinVar aggregate classification (germline): Uncertain significance. Review status: criteria provided, multiple submitters, no conflicts (2 of 4 stars). 5 submissions from 5 submitters: Uncertain significance (5). Last evaluated 2024-03-10.

Conditions:
Inborn genetic diseases. Identifiers: MedGen C0950123, MeSH D030342.
Myoglobinuria, acute recurrent, autosomal recessive. Also called: RHABDOMYOLYSIS, ACUTE RECURRENT; MYOGLOBINURIA, FAMILIAL PAROXYSMAL PARALYTIC; Myoglobinuria, recurrent, autosomal recessive. Identifiers: Orphanet 99845, MedGen C1849386, MONDO:0009992, OMIM 268200.

Allele frequency attached by ClinVar (database versions not stated): gnomAD exomes 0.00001; gnomAD 0.00003; TOPMed 0.00003; 1000 Genomes Project 30x 0.00016; 1000 Genomes Project 0.00020.
gnomAD v4.1: 25 of 1,614,180 alleles (0.0015%); highest among the groups gnomAD compares: African/African-American, 0.0027%; no homozygotes.

Submissions (5):

Fulgent Genetics
Classification: Uncertain significance for Myoglobinuria, acute recurrent, autosomal recessive. Last evaluated: 2024-03-10. Review status: criteria provided, single submitter. Criteria: ACMG Guidelines, 2015. Collection method: clinical testing. Allele origin: germline.

Ambry Genetics
Classification: Uncertain significance for Inborn genetic diseases. Last evaluated: 2024-02-27. Review status: criteria provided, single submitter. Criteria: Ambry Variant Classification Scheme 2023. Collection method: clinical testing. Allele origin: germline.

Labcorp Genetics (formerly Invitae), Labcorp
Classification: Uncertain significance. Last evaluated: 2023-01-31. Review status: criteria provided, single submitter. Criteria: Invitae Variant Classification Sherloc (09022015). Collection method: clinical testing. Allele origin: germline.
Comment: ClinVar contains an entry for this variant (Variation ID: 450399). In summary, the available evidence is currently insufficient to determine the role of this variant in disease. Therefore, it has been classified as a Variant of Uncertain Significance. Algorithms developed to predict the effect of missense changes on protein structure and function are either unavailable or do not agree on the potential impact of this missense change (SIFT: "Deleterious"; PolyPhen-2: "Probably Damaging"; Align-GVGD: "Class C0"). This variant has not been reported in the literature in individuals affected with LPIN1-related conditions. This variant is present in population databases (rs542760055, gnomAD 0.0008%). This sequence change replaces leucine, which is neutral and non-polar, with methionine, which is neutral and non-polar, at codon 753 of the LPIN1 protein (p.Leu753Met).

Genomic Research Center, Shahid Beheshti University of Medical Sciences
Classification: Uncertain significance. Last evaluated: 2019-04-27. Review status: criteria provided, single submitter. Criteria: ACMG Guidelines, 2015. Collection method: clinical testing. Allele origin: unknown. Affected: no.

GeneDx
Classification: Uncertain significance. Last evaluated: 2017-07-12. Review status: criteria provided, single submitter. Criteria: GeneDx Variant Classification (06012015). Collection method: clinical testing. Allele origin: germline. Affected: yes.
Comment: The L753M variant in the LPIN1 gene has not been reported previously as a pathogenic variant, nor as a benign variant, to our knowledge. The L753M variant is not observed in large population cohorts (Lek et al., 2016; 1000 Genomes Consortium et al., 2015; Exome Variant Server). The L753M variant is a conservative amino acid substitution, which is not likely to impact secondary protein structure as these residues share similar properties. While this substitution occurs at a position that is conserved across species, in silico analysis is inconsistent in its predictions as to whether or not the variant is damaging to the protein structure/function. We interpret L753M as a variant of uncertain significance.

NM_001349206.2(LPIN1):c.2365C>A (p.Leu789Met)

Gene: LPIN1 (lipin 1; plus strand). Cytogenetic location: 2p25.1.
Variant type: single nucleotide variant.
Coding change: c.2365C>A on transcript NM_001349206.2 (MANE Select); coding-DNA position 2365, C replaced by A.
Protein change: p.Leu789Met; replaces leucine 789 with methionine.
Molecular consequence: missense variant. On other transcripts: non-coding transcript variant (1).
Genome position (GRCh38, 1-based): chr2:11,815,203, C>A. VCF-style: chr2-11815203-C-A. GRCh37 (hg19) VCF-style: chr2-11955329-C-A.
Other names: c.2275C>A, p.Leu759Met (NM_001261427.3); c.2512C>A, p.Leu838Met (NM_001261428.3); c.2257C>A, p.Leu753Met (NM_001349199.2, NM_145693.4); c.2335C>A, p.Leu779Met (NM_001349200.2, NM_001349201.2); c.2362C>A, p.Leu788Met (NM_001349202.2, NM_001349203.2); c.2365C>A, p.Leu789Met (NM_001349204.2, NM_001349205.2); c.2455C>A, p.Leu819Met (NM_001349207.2); c.2404C>A, p.Leu802Met (NM_001349208.2); and 1 more; short protein forms L753M, L789M, L802M, L788M, L838M, L759M, L819M, L779M.
Identifiers: ClinVar variation 450399 (VCV000450399.12), dbSNP rs542760055, ClinGen allele CA42588111.